The following is an entry in ClinVar:

NM_006514.4(SCN10A):c.2053G>A (p.Glu685Lys)

Gene: SCN10A (sodium voltage-gated channel alpha subunit 10; minus strand). Cytogenetic location: 3p22.2.
Variant type: single nucleotide variant.
Coding change: c.2053G>A on transcript NM_006514.4 (MANE Select); coding-DNA position 2053, G replaced by A.
Protein change: p.Glu685Lys; replaces glutamic acid 685 with lysine.
Molecular consequence: missense variant.
Genome position (GRCh38, 1-based): chr3:38,742,344, C>T on the plus strand (G>A on the coding strand, the complement: SCN10A is on the minus strand). VCF-style: chr3-38742344-C-T. GRCh37 (hg19) VCF-style: chr3-38783835-C-T.
Other names: p.Glu685Lys; c.2053G>A, p.Glu685Lys (NM_001293306.2); c.1759G>A, p.Glu587Lys (NM_001293307.2); short protein forms E587K, E685K.
Identifiers: ClinVar variation 2682829 (VCV002682829.1), dbSNP rs2470735946, ClinGen allele CA352165068.

ClinVar aggregate classification (germline): Uncertain significance (1 of 4 stars; one submission).

gnomAD v4.1: 2 of 1,614,110 alleles (0.00012%); highest among the groups gnomAD compares: Non-Finnish European, 0.00017%; no homozygotes.

Submission:

Mayo Clinic Laboratories, Mayo Clinic
Classification: Uncertain significance. Last evaluated: 2023-01-04. Review status: criteria provided, single submitter. Criteria: ACMG Guidelines, 2015. Collection method: clinical testing. Allele origin: germline. Observed: 1 variant allele.
Comment: PP3, PM2